The following is an entry in ClinVar:

NM_000051.4(ATM):c.6838C>T (p.Gln2280Ter)

Genes: C11orf65 (chromosome 11 open reading frame 65; minus strand), ATM (ATM serine/threonine kinase; plus strand). Cytogenetic location: 11q22.3.
Variant type: single nucleotide variant.
Coding change: c.6838C>T on transcript NM_000051.4 (MANE Select); coding-DNA position 6838, C replaced by T.
Protein change: p.Gln2280Ter; replaces glutamine 2280 with a stop codon.
Molecular consequence: nonsense. On other transcripts: intron variant (2).
Genome position (GRCh38, 1-based): chr11:108,326,088, C>T. VCF-style: chr11-108326088-C-T. GRCh37 (hg19) VCF-style: chr11-108196815-C-T.
Other names: c.6838C>T, p.Gln2280Ter (NM_001351834.2); c.641-17017G>A (NM_001330368.2); c.*38+9132G>A (NM_001351110.2); short protein forms Q2280*.
Identifiers: ClinVar variation 630702 (VCV000630702.15), dbSNP rs1565520246, ClinGen allele CA382556614.

ClinVar aggregate classification (germline): Pathogenic. Review status: criteria provided, multiple submitters, no conflicts (2 of 4 stars). 3 submissions from 3 submitters: Pathogenic (3). Last evaluated 2024-01-30.

Conditions:
Familial cancer of breast. Also called: Hereditary breast cancer; BREAST CANCER, FAMILIAL; hereditary breast carcinoma. Identifiers: Orphanet 227535, MedGen C0346153, MONDO:0016419, OMIM 114480. Disease mechanism: loss of function.
Hereditary cancer-predisposing syndrome. Also called: Tumor predisposition; Hereditary neoplastic syndrome; Neoplastic Syndromes, Hereditary; Hereditary Cancer Syndrome. Identifiers: Orphanet 140162, MedGen C0027672, MeSH D009386, MONDO:0015356.
Ataxia-telangiectasia syndrome (AT). Also called: Ataxia-telangiectasia, complementation group D; AT, COMPLEMENTATION GROUP C; ATAXIA-TELANGIECTASIA, COMPLEMENTATION GROUP A; ATAXIA-TELANGIECTASIA, FRESNO VARIANT; Ataxia-telangiectasia; LOUIS-BAR SYNDROME. Identifiers: Orphanet 100, MedGen C0004135, MONDO:0008840, OMIM 208900.

Submissions (3):

Myriad Genetics, Inc.
Classification: Pathogenic for Familial cancer of breast. Last evaluated: 2024-01-30. Review status: criteria provided, single submitter. Criteria: Myriad Autosomal Dominant, Autosomal Recessive and X-Linked Classification Criteria (2023). Collection method: clinical testing. Allele origin: unknown.
Comment: This variant is considered pathogenic. This variant creates a termination codon and is predicted to result in premature protein truncation.

Labcorp Genetics (formerly Invitae), Labcorp
Classification: Pathogenic for Ataxia-telangiectasia syndrome. Last evaluated: 2023-04-17. Review status: criteria provided, single submitter. Criteria: Invitae Variant Classification Sherloc (09022015). Collection method: clinical testing. Allele origin: germline.
Comment: This premature translational stop signal has been observed in individual(s) with ataxia-telangiectasia and/or breast cancer (PMID: 17540590, 28724667, 30607632). For these reasons, this variant has been classified as Pathogenic. ClinVar contains an entry for this variant (Variation ID: 630702). This variant is not present in population databases (gnomAD no frequency). This sequence change creates a premature translational stop signal (p.Gln2280*) in the ATM gene. It is expected to result in an absent or disrupted protein product. Loss-of-function variants in ATM are known to be pathogenic (PMID: 23807571, 25614872).

Color Diagnostics, LLC DBA Color Health
Classification: Pathogenic for Hereditary cancer-predisposing syndrome. Last evaluated: 2020-04-23. Review status: criteria provided, single submitter. Criteria: ACMG Guidelines, 2015. Collection method: clinical testing. Allele origin: germline.
Comment: This variant changes 1 nucleotide in exon 47 of the ATM gene, creating a premature translation stop signal. This variant is expected to result in an absent or non-functional protein product. To our knowledge, this variant has not been reported in individuals affected with hereditary cancer in the literature. This variant has not been identified in the general population by the Genome Aggregation Database (gnomAD). Loss of ATM function is a known mechanism of disease. Based on the available evidence, this variant is classified as Pathogenic.

Literature cited by the submitters: PubMed 17540590 (cited by Labcorp Genetics (formerly Invitae), Labcorp); PubMed 28724667 (cited by Labcorp Genetics (formerly Invitae), Labcorp); PubMed 30607632 (cited by Labcorp Genetics (formerly Invitae), Labcorp); PubMed 23807571 (cited by Labcorp Genetics (formerly Invitae), Labcorp); PubMed 25614872 (cited by Labcorp Genetics (formerly Invitae), Labcorp).